The following is an entry in ClinVar:

ClinVar aggregate classification (germline): Pathogenic (1 of 4 stars; one submission).

Conditions:
RYR1-related disorder. Also called: RYR1-related disorders; RYR1-related condition. Identifiers: MedGen CN239331.

Submission:

Labcorp Genetics (formerly Invitae), Labcorp
Classification: Pathogenic for RYR1-related disorder. Last evaluated: 2022-07-06. Review status: criteria provided, single submitter. Criteria: Invitae Variant Classification Sherloc (09022015). Collection method: clinical testing. Allele origin: germline.
Comment: For these reasons, this variant has been classified as Pathogenic. ClinVar contains an entry for this variant (Variation ID: 934661). This variant has not been reported in the literature in individuals affected with RYR1-related conditions. This variant is not present in population databases (gnomAD no frequency). This sequence change creates a premature translational stop signal (p.Leu4358Alafs*221) in the RYR1 gene. It is expected to result in an absent or disrupted protein product. Loss-of-function variants in RYR1 are known to be pathogenic (PMID: 20583297, 20839240, 23919265, 28818389).

Literature cited by the submitters: PubMed 20583297; PubMed 20839240; PubMed 23919265; PubMed 28818389.

NM_000540.3(RYR1):c.13068_13078del (p.Leu4358fs)

Gene: RYR1 (ryanodine receptor 1; plus strand). Cytogenetic location: 19q13.2.
Variant type: Deletion.
Coding change: c.13068_13078del on transcript NM_000540.3 (MANE Select); coding-DNA positions 13068 to 13078, 11 bases deleted (CCTGCTCTGGG).
Protein change: p.Leu4358fs; shifts the reading frame from leucine 4358.
Molecular consequence: frameshift variant.
Genome position (GRCh38, 1-based): chr19:38,565,402-38,565,412, CCTGCTCTGGG deleted; deleting any 11 consecutive bases within chr19:38,565,397-38,565,412 gives the same sequence; the c. name uses the placement nearest the transcript's 3' end. VCF-style (leftmost placement, unchanged base first): chr19-38565396-GCTGGGCCTGCT-G. GRCh37 (hg19) VCF-style: chr19-39056036-GCTGGGCCTGCT-G.
Other names: c.13053_13063del, p.Leu4353fs (NM_001042723.2); short protein forms L4353fs, L4358fs.
Identifiers: ClinVar variation 934661 (VCV000934661.7), dbSNP rs1973360239, ClinGen allele CA1139666438.